The following is an entry in ClinVar:

ClinVar aggregate classification (germline): Conflicting classifications of pathogenicity. Review status: criteria provided, conflicting classifications (1 of 4 stars). 6 submissions from 6 submitters: Uncertain significance (3); Likely benign (3). Last evaluated 2025-10-23.

Conditions:
TRDN-related disorder. Also called: TRDN-related condition.
Cardiovascular phenotype. Identifiers: MedGen CN230736.
Catecholaminergic polymorphic ventricular tachycardia 5 (CARDAR). Also called: Ventricular tachycardia, catecholaminergic polymorphic, 5, with or without muscle weakness; CARDIAC ARRHYTHMIA SYNDROME, WITH OR WITHOUT SKELETAL MUSCLE WEAKNESS. Identifiers: Orphanet 3286, MedGen C3809536, MONDO:0014191, OMIM 615441.
Catecholaminergic polymorphic ventricular tachycardia 1. Also called: RYR2-Related Catecholaminergic Polymorphic Ventricular Tachycardia; VENTRICULAR TACHYCARDIA, CATECHOLAMINERGIC POLYMORPHIC, 1, WITH OR WITHOUT ATRIAL DYSFUNCTION AND/OR DILATED CARDIOMYOPATHY; VENTRICULAR TACHYCARDIA, STRESS-INDUCED POLYMORPHIC 1. Identifiers: Orphanet 3286, MedGen C1631597, MONDO:0011484, OMIM 604772.

Allele frequency attached by ClinVar (database versions not stated): gnomAD 0.00044 and 0.00042; 1000 Genomes Project 0.00060; 1000 Genomes Project 30x 0.00062; TOPMed 0.00063; gnomAD exomes 0.00003 and 0.00007; ExAC 0.00023; ESP Exome Variant Server 0.00027.
gnomAD v4.1: 97 of 1,352,796 alleles (0.0072%); highest among the groups gnomAD compares: African/African-American, 0.12%; no homozygotes.

Submissions (6):

GeneDx
Classification: Uncertain significance. Last evaluated: 2025-10-23. Review status: criteria provided, single submitter. Criteria: GeneDx Variant Classification Process June 2021. Collection method: clinical testing. Allele origin: germline. Affected: yes.
Comment: In silico analysis indicates that this missense variant does not alter protein structure/function; Has not been previously published as pathogenic or benign to our knowledge

PreventionGenetics, part of Exact Sciences
Classification: Likely benign for TRDN-related condition. Last evaluated: 2025-05-07. Review status: criteria provided, single submitter. Criteria: ACMG Guidelines, 2015. Collection method: clinical testing. Allele origin: germline.
Comment: This variant is classified as likely benign based on ACMG/AMP sequence variant interpretation guidelines (Richards et al. 2015 PMID: 25741868, with internal and published modifications).

Labcorp Genetics (formerly Invitae), Labcorp
Classification: Uncertain significance for Catecholaminergic polymorphic ventricular tachycardia 1. Last evaluated: 2022-07-26. Review status: criteria provided, single submitter. Criteria: Invitae Variant Classification Sherloc (09022015). Collection method: clinical testing. Allele origin: germline.
Comment: This sequence change replaces arginine, which is basic and polar, with lysine, which is basic and polar, at codon 632 of the TRDN protein (p.Arg632Lys). This variant is present in population databases (rs181571822, gnomAD 0.1%). This variant has not been reported in the literature in individuals affected with TRDN-related conditions. ClinVar contains an entry for this variant (Variation ID: 426462). Algorithms developed to predict the effect of missense changes on protein structure and function output the following: SIFT: "Tolerated"; PolyPhen-2: "Benign"; Align-GVGD: "Class C0". The lysine amino acid residue is found in multiple mammalian species, which suggests that this missense change does not adversely affect protein function. In summary, the available evidence is currently insufficient to determine the role of this variant in disease. Therefore, it has been classified as a Variant of Uncertain Significance.

ARUP Laboratories, Molecular Genetics and Genomics, ARUP Laboratories
Classification: Uncertain significance for Catecholaminergic polymorphic ventricular tachycardia 5. Last evaluated: 2019-12-27. Review status: criteria provided, single submitter. Criteria: ARUP Molecular Germline Variant Investigation Process. Collection method: clinical testing. Allele origin: germline.
Comment: The TRDN c.1895G>A, p.Arg632Lys variant (rs181571822), to our knowledge, is not reported in the medical literature but is reported in ClinVar (Variation ID: 426462). This variant is found in the African population with an allele frequency of 0.1% (13/11,582 alleles) in the Genome Aggregation Database. The arginine at codon 632 is weakly conserved, and computational analyses (SIFT, PolyPhen-2) predict that this variant is tolerated. However, given the lack of clinical and functional data, the significance of the p.Arg632Lys variant is uncertain at this time. Gene Statement: Pathogenic variants in TRDN are associated with autosomal recessive catecholaminergic polymorphic ventricular tachycardia 5, with or without muscle weakness (MIM: 615441).

Ambry Genetics
Classification: Likely benign for Cardiovascular phenotype. Last evaluated: 2017-06-07. Review status: criteria provided, single submitter. Criteria: Ambry Variant Classification Scheme 2023. Collection method: clinical testing. Allele origin: germline.

Laboratory for Molecular Medicine, Mass General Brigham Personalized Medicine
Classification: Likely benign. Last evaluated: 2017-03-07. Review status: criteria provided, single submitter. Criteria: LMM Criteria. Collection method: clinical testing. Allele origin: germline. Observed: 1 variant allele.
Comment: p.Arg632Lys in exon 36 of TRDN: This variant is not expected to have clinical si gnificance due to a lack of conservation across species, including mammals. Of n ote, >30 mammal species have a lysine at this position. In addition, computation al prediction tools suggest it may not impact to the protein. It has also been i dentified in 0.2% (4/1926) of African chromosomes by the Exome Aggregation Conso rtium (ExAC; dbSNP rs181571822).

NM_006073.4(TRDN):c.1895G>A (p.Arg632Lys)

Gene: TRDN (triadin; minus strand). Cytogenetic location: 6q22.31.
Variant type: single nucleotide variant.
Coding change: c.1895G>A on transcript NM_006073.4 (MANE Select); coding-DNA position 1895, G replaced by A.
Protein change: p.Arg632Lys; replaces arginine 632 with lysine.
Molecular consequence: missense variant.
Genome position (GRCh38, 1-based): chr6:123,255,878, C>T on the plus strand (G>A on the coding strand, the complement: TRDN is on the minus strand). VCF-style: chr6-123255878-C-T. GRCh37 (hg19) VCF-style: chr6-123577023-C-T.
Other names: short protein forms R632K.
Identifiers: ClinVar variation 426462 (VCV000426462.27), dbSNP rs181571822, ClinGen allele CA3983705.